The following is an entry in ClinVar:

NM_000203.5(IDUA):c.1340G>A (p.Arg447His)

Gene: IDUA (alpha-L-iduronidase; plus strand). Cytogenetic location: 4p16.3.
Variant type: single nucleotide variant.
Coding change: c.1340G>A on transcript NM_000203.5 (MANE Select); coding-DNA position 1340, G replaced by A.
Protein change: p.Arg447His; replaces arginine 447 with histidine.
Molecular consequence: missense variant. On other transcripts: non-coding transcript variant (1).
Genome position (GRCh38, 1-based): chr4:1,002,882, G>A. VCF-style: chr4-1002882-G-A. GRCh37 (hg19) VCF-style: chr4-996670-G-A.
Other names: c.944G>A, p.Arg315His (NM_001363576.1); short protein forms R447H, R315H.
Identifiers: ClinVar variation 1770357 (VCV001770357.5), dbSNP rs1230224695, ClinGen allele CA355964079.

ClinVar aggregate classification (germline): Uncertain significance. Review status: criteria provided, multiple submitters, no conflicts (2 of 4 stars). 2 submissions from 2 submitters: Uncertain significance (2). Last evaluated 2024-10-16.

Conditions:
Mucopolysaccharidosis type 1. Also called: IDUA deficiency; MPS I. Identifiers: Orphanet 579, MedGen C0023786, MONDO:0001586.
Inborn genetic diseases. Identifiers: MedGen C0950123, MeSH D030342.

Allele frequency attached by ClinVar (database versions not stated): TOPMed below 0.00001; gnomAD exomes 0.00001.
gnomAD v4.1: 7 of 1,434,646 alleles (0.00049%); highest among the groups gnomAD compares: Admixed American, 0.0085%; no homozygotes.

Submissions (2):

Labcorp Genetics (formerly Invitae), Labcorp
Classification: Uncertain significance for Mucopolysaccharidosis type 1. Last evaluated: 2024-10-16. Review status: criteria provided, single submitter. Criteria: Invitae Variant Classification Sherloc (09022015). Collection method: clinical testing. Allele origin: germline.
Comment: This sequence change replaces arginine, which is basic and polar, with histidine, which is basic and polar, at codon 447 of the IDUA protein (p.Arg447His). The frequency data for this variant in the population databases is considered unreliable, as metrics indicate poor data quality at this position in the gnomAD database. This variant has not been reported in the literature in individuals affected with IDUA-related conditions. ClinVar contains an entry for this variant (Variation ID: 1770357). An algorithm developed to predict the effect of missense changes on protein structure and function outputs the following: PolyPhen-2: "Benign". The histidine amino acid residue is found in multiple mammalian species, which suggests that this missense change does not adversely affect protein function. In summary, the available evidence is currently insufficient to determine the role of this variant in disease. Therefore, it has been classified as a Variant of Uncertain Significance.

Ambry Genetics
Classification: Uncertain significance for Inborn genetic diseases. Last evaluated: 2022-03-25. Review status: criteria provided, single submitter. Criteria: Ambry Variant Classification Scheme 2023. Collection method: clinical testing. Allele origin: germline.
Comment: The p.R447H variant (also known as c.1340G>A), located in coding exon 9 of the IDUA gene, results from a G to A substitution at nucleotide position 1340. The arginine at codon 447 is replaced by histidine, an amino acid with highly similar properties. This amino acid position is conserved. In addition, this alteration is predicted to be tolerated by in silico analysis. Since supporting evidence is limited at this time, the clinical significance of this alteration remains unclear.